The following is an entry in ClinVar:

ClinVar aggregate classification (germline): Uncertain significance (1 of 4 stars; one submission).

Conditions:
Adams-Oliver syndrome 5 (AOS5). Identifiers: Orphanet 974, MedGen C4014970, MONDO:0014459, OMIM 616028.

gnomAD v4.1: 2 of 1,597,794 alleles (0.00013%); highest among the groups gnomAD compares: East Asian, 0.0023%; no homozygotes.

Submission:

Labcorp Genetics (formerly Invitae), Labcorp
Classification: Uncertain significance for Adams-Oliver syndrome 5. Last evaluated: 2023-12-20. Review status: criteria provided, single submitter. Criteria: Invitae Variant Classification Sherloc (09022015). Collection method: clinical testing. Allele origin: germline.
Comment: This sequence change falls in intron 23 of the NOTCH1 gene. It does not directly change the encoded amino acid sequence of the NOTCH1 protein. It affects a nucleotide within the consensus splice site. This variant is not present in population databases (gnomAD no frequency). This variant has not been reported in the literature in individuals affected with NOTCH1-related conditions. Variants that disrupt the consensus splice site are a relatively common cause of aberrant splicing (PMID: 17576681, 9536098). Algorithms developed to predict the effect of sequence changes on RNA splicing suggest that this variant may disrupt the consensus splice site. In summary, the available evidence is currently insufficient to determine the role of this variant in disease. Therefore, it has been classified as a Variant of Uncertain Significance.

Literature cited by the submitters: PubMed 17576681; PubMed 9536098.

NM_017617.5(NOTCH1):c.3901+5G>A

Gene: NOTCH1 (notch receptor 1; minus strand). Cytogenetic location: 9q34.3.
Variant type: single nucleotide variant.
Coding change: c.3901+5G>A on transcript NM_017617.5 (MANE Select); 5 bases into the intron after coding-DNA position 3901, G replaced by A.
Molecular consequence: intron variant.
Genome position (GRCh38, 1-based): chr9:136,506,711, C>T on the plus strand (G>A on the coding strand, the complement: NOTCH1 is on the minus strand). VCF-style: chr9-136506711-C-T. GRCh37 (hg19) VCF-style: chr9-139401163-C-T.
Identifiers: ClinVar variation 2716980 (VCV002716980.3), dbSNP rs2133343109, ClinGen allele CA645543518.